The following is an entry in ClinVar:

ClinVar aggregate classification (germline): Uncertain significance (1 of 4 stars; one submission).

Conditions:
Developmental and epileptic encephalopathy, 37 (DEE37). Also called: Epileptic encephalopathy, early infantile, 37. Identifiers: MedGen C4310770, MONDO:0014859, OMIM 616981.

Submission:

Labcorp Genetics (formerly Invitae), Labcorp
Classification: Uncertain significance for Developmental and epileptic encephalopathy, 37. Last evaluated: 2022-07-06. Review status: criteria provided, single submitter. Criteria: Invitae Variant Classification Sherloc (09022015). Collection method: clinical testing. Allele origin: germline.
Comment: In summary, the available evidence is currently insufficient to determine the role of this variant in disease. Therefore, it has been classified as a Variant of Uncertain Significance. Algorithms developed to predict the effect of missense changes on protein structure and function (SIFT, PolyPhen-2, Align-GVGD) all suggest that this variant is likely to be disruptive. ClinVar contains an entry for this variant (Variation ID: 1483279). This variant has not been reported in the literature in individuals affected with FRRS1L-related conditions. This variant is not present in population databases (gnomAD no frequency). This sequence change replaces glycine, which is neutral and non-polar, with arginine, which is basic and polar, at codon 180 of the FRRS1L protein (p.Gly180Arg).

NM_014334.4(FRRS1L):c.385G>A (p.Gly129Arg)

Gene: FRRS1L (ferric chelate reductase 1 like; minus strand). Cytogenetic location: 9q31.3.
Variant type: single nucleotide variant.
Coding change: c.385G>A on transcript NM_014334.4 (MANE Select); coding-DNA position 385, G replaced by A.
Protein change: p.Gly129Arg; replaces glycine 129 with arginine.
Molecular consequence: missense variant.
Genome position (GRCh38, 1-based): chr9:109,147,128, C>T on the plus strand (G>A on the coding strand, the complement: FRRS1L is on the minus strand). VCF-style: chr9-109147128-C-T. GRCh37 (hg19) VCF-style: chr9-111909408-C-T.
Other names: short protein forms G129R.
Identifiers: ClinVar variation 1483279 (VCV001483279.6), dbSNP rs2118482229, ClinGen allele CA374427008.